The following is an entry in ClinVar:

ClinVar aggregate classification (germline): Likely pathogenic (1 of 4 stars; one submission).

Submission:

GeneDx
Classification: Likely pathogenic. Last evaluated: 2025-04-22. Review status: criteria provided, single submitter. Criteria: GeneDx Variant Classification Process June 2021. Collection method: clinical testing. Allele origin: germline. Affected: yes.
Comment: Mosaic variant in a patient in published literature from a cohort of individuals with autism spectrum disorder; however, detailed clinical information was not provided, and the patient harbored an additional variant (PMID: 28867142); Nonsense variant predicted to result in protein truncation or nonsense mediated decay in a gene for which loss of function is a known mechanism of disease; Not observed at significant frequency in large population cohorts (gnomAD); This variant is associated with the following publications: (PMID: 28867142)

NM_001395159.1(UNC79):c.6955C>T (p.Arg2319Ter)

Gene: UNC79 (unc-79 subunit of NALCN channel complex; plus strand). Cytogenetic location: 14q32.12.
Variant type: single nucleotide variant.
Coding change: c.6955C>T on transcript NM_001395159.1 (MANE Select); coding-DNA position 6955, C replaced by T.
Protein change: p.Arg2319Ter; replaces arginine 2319 with a stop codon.
Molecular consequence: nonsense.
Genome position (GRCh38, 1-based): chr14:93,662,700, C>T. VCF-style: chr14-93662700-C-T. GRCh37 (hg19) VCF-style: chr14-94129046-C-T.
Other names: c.6889C>T, p.Arg2297Ter (NM_001346218.2); c.6208C>T, p.Arg2070Ter (NM_020818.5); short protein forms R2070*, R2297*, R2319*.
Identifiers: ClinVar variation 4528309 (VCV004528309.1).